The following is an entry in ClinVar:

ClinVar aggregate classification (germline): Pathogenic (1 of 4 stars; one submission).

Submission:

Labcorp Genetics (formerly Invitae), Labcorp
Classification: Pathogenic. Last evaluated: 2021-06-02. Review status: criteria provided, single submitter. Criteria: Invitae Variant Classification Sherloc (09022015). Collection method: clinical testing. Allele origin: germline.
Comment: This sequence change creates a premature translational stop signal (p.Arg223Glyfs*173) in the LAMB3 gene. It is expected to result in an absent or disrupted protein product. Loss-of-function variants in LAMB3 are known to be pathogenic (PMID: 11023379, 16473856). This variant is not present in population databases (ExAC no frequency). This variant has not been reported in the literature in individuals with LAMB3-related conditions. For these reasons, this variant has been classified as Pathogenic.

Literature cited by the submitters: PubMed 11023379; PubMed 16473856.

NM_000228.3(LAMB3):c.667del (p.Arg223fs)

Gene: LAMB3 (laminin subunit beta 3; minus strand). Cytogenetic location: 1q32.2.
Variant type: Deletion.
Coding change: c.667del on transcript NM_000228.3 (MANE Select); coding-DNA position 667, one base deleted (A; older notation c.667delA).
Protein change: p.Arg223fs; shifts the reading frame from arginine 223.
Molecular consequence: frameshift variant.
Genome position (GRCh38, 1-based): chr1:209,632,738, T deleted on the plus strand (A on the coding strand, the reverse complement: LAMB3 is on the minus strand). VCF-style (leftmost placement, unchanged base first): chr1-209632737-CT-C. GRCh37 (hg19) VCF-style: chr1-209806082-CT-C.
Other names: c.667del, p.Arg223fs (NM_001017402.2, NM_001127641.1); short protein forms R223fs.
Identifiers: ClinVar variation 1457262 (VCV001457262.6), dbSNP rs2102434789, ClinGen allele CA2573131527.